The following is an entry in ClinVar:

NM_000091.5(COL4A3):c.2179G>A (p.Gly727Arg)

Genes: COL4A3 (collagen type IV alpha 3 chain; plus strand), MFF-DT (MFF divergent transcript; minus strand). Cytogenetic location: 2q36.3.
Variant type: single nucleotide variant.
Coding change: c.2179G>A on transcript NM_000091.5 (MANE Select); coding-DNA position 2179, G replaced by A.
Protein change: p.Gly727Arg; replaces glycine 727 with arginine.
Molecular consequence: missense variant.
Genome position (GRCh38, 1-based): chr2:227,279,846, G>A. VCF-style: chr2-227279846-G-A. GRCh37 (hg19) VCF-style: chr2-228144562-G-A.
Other names: short protein forms G727R.
Identifiers: ClinVar variation 2971978 (VCV002971978.4), dbSNP rs2469747924, ClinGen allele CA350847718.

ClinVar aggregate classification (germline): Conflicting classifications of pathogenicity. Review status: criteria provided, conflicting classifications (1 of 4 stars). 2 submissions from 2 submitters: Likely pathogenic (1); Uncertain significance (1). Last evaluated 2025-08-25.

Conditions:
Alport syndrome. Also called: Hemorrhagic familial nephritis; Hemorrhagic hereditary nephritis; Congenital hereditary hematuria. Identifiers: Orphanet 63, MedGen C1567741, MONDO:0018965.

gnomAD v4.1: 1 of 1,610,300 alleles (0.000062%); highest among the groups gnomAD compares: Admixed American, 0.0017%; no homozygotes.

Submissions (2):

Natera, Inc.
Classification: Likely pathogenic for Alport syndrome. Last evaluated: 2025-08-25. Review status: criteria provided, single submitter. Criteria: Natera Variant Classification Schema (03/2026). Collection method: clinical testing. Allele origin: germline.
Comment: The c.2179G>A variant in COL4A3 is a missense variant predicted to cause substitution of glycine to arginine at amino acid 727. This variant is rare in the general population with a frequency below the threshold expected for the associated phenotype(s). This variant is located in a functionally critical region of the protein. Computational prediction algorithms indicate this variant is likely to affect gene or protein function. Given the available evidence, this variant is classified as Likely Pathogenic.

Labcorp Genetics (formerly Invitae), Labcorp
Classification: Uncertain significance. Last evaluated: 2023-03-17. Review status: criteria provided, single submitter. Criteria: Invitae Variant Classification Sherloc (09022015). Collection method: clinical testing. Allele origin: germline.
Comment: This sequence change replaces glycine, which is neutral and non-polar, with arginine, which is basic and polar, at codon 727 of the COL4A3 protein (p.Gly727Arg). This variant is not present in population databases (gnomAD no frequency). This variant has not been reported in the literature in individuals affected with COL4A3-related conditions. Advanced modeling of protein sequence and biophysical properties (such as structural, functional, and spatial information, amino acid conservation, physicochemical variation, residue mobility, and thermodynamic stability) performed at Invitae indicates that this missense variant is expected to disrupt COL4A3 protein function. In summary, the available evidence is currently insufficient to determine the role of this variant in disease. Therefore, it has been classified as a Variant of Uncertain Significance.